The following is an entry in ClinVar:

ClinVar aggregate classification (germline): Uncertain significance (1 of 4 stars; one submission).

gnomAD v4.1: 1 of 1,614,030 alleles (0.000062%); highest among the groups gnomAD compares: Non-Finnish European, 0.000085%; no homozygotes.

Submission:

Labcorp Genetics (formerly Invitae), Labcorp
Classification: Uncertain significance. Last evaluated: 2023-11-03. Review status: criteria provided, single submitter. Criteria: Invitae Variant Classification Sherloc (09022015). Collection method: clinical testing. Allele origin: germline.
Comment: This sequence change replaces serine, which is neutral and polar, with arginine, which is basic and polar, at codon 436 of the PPP2R5D protein (p.Ser436Arg). This variant is not present in population databases (gnomAD no frequency). This variant has not been reported in the literature in individuals affected with PPP2R5D-related conditions. An algorithm developed to predict the effect of missense changes on protein structure and function (PolyPhen-2) suggests that this variant is likely to be disruptive. In summary, the available evidence is currently insufficient to determine the role of this variant in disease. Therefore, it has been classified as a Variant of Uncertain Significance.

NM_006245.4(PPP2R5D):c.1308T>G (p.Ser436Arg)

Gene: PPP2R5D (protein phosphatase 2 regulatory subunit B'delta; plus strand). Cytogenetic location: 6p21.1.
Variant type: single nucleotide variant.
Coding change: c.1308T>G on transcript NM_006245.4 (MANE Select); coding-DNA position 1308, T replaced by G.
Protein change: p.Ser436Arg; replaces serine 436 with arginine.
Molecular consequence: missense variant.
Genome position (GRCh38, 1-based): chr6:43,009,378, T>G. VCF-style: chr6-43009378-T-G. GRCh37 (hg19) VCF-style: chr6-42977116-T-G.
Other names: c.855T>G, p.Ser285Arg (NM_001270476.2); c.1212T>G, p.Ser404Arg (NM_180976.3); c.990T>G, p.Ser330Arg (NM_180977.3); short protein forms S404R, S436R, S285R, S330R.
Identifiers: ClinVar variation 2764581 (VCV002764581.3), dbSNP rs2150281483, ClinGen allele CA364194525.